The following is an entry in ClinVar:

ClinVar aggregate classification (germline): Uncertain significance. Review status: criteria provided, multiple submitters, no conflicts (2 of 4 stars). 2 submissions from 2 submitters: Uncertain significance (2). Last evaluated 2025-06-18.

Conditions:
Saldino-Mainzer syndrome (SRTD9). Also called: CONORENAL SYNDROME; SHORT-RIB THORACIC DYSPLASIA 9 WITHOUT POLYDACTYLY; short-rib thoracic dysplasia 9 with or without polydactyly; Renal dysplasia, retinal pigmentary dystrophy, cerebellar ataxia and skeletal dysplasia. Identifiers: Orphanet 140969, MedGen C1849437, MONDO:0009964, OMIM 266920.
Inborn genetic diseases. Identifiers: MedGen C0950123, MeSH D030342.

Allele frequency attached by ClinVar (database versions not stated): gnomAD 0.00001; gnomAD exomes 0.00001 and 0.00002; TOPMed 0.00001; ExAC 0.00003; 1000 Genomes Project 30x 0.00016; 1000 Genomes Project 0.00020.
gnomAD v4.1: 19 of 1,613,214 alleles (0.0012%); highest among the groups gnomAD compares: East Asian, 0.0067%; no homozygotes.

Submissions (2):

Ambry Genetics
Classification: Uncertain significance for Inborn genetic diseases. Last evaluated: 2025-06-18. Review status: criteria provided, single submitter. Criteria: Ambry Variant Classification Scheme 2023. Collection method: clinical testing. Allele origin: germline.

Labcorp Genetics (formerly Invitae), Labcorp
Classification: Uncertain significance for Saldino-Mainzer syndrome. Last evaluated: 2022-03-19. Review status: criteria provided, single submitter. Criteria: Invitae Variant Classification Sherloc (09022015). Collection method: clinical testing. Allele origin: germline.
Comment: This sequence change replaces glutamic acid, which is acidic and polar, with lysine, which is basic and polar, at codon 1140 of the IFT140 protein (p.Glu1140Lys). This variant is present in population databases (rs564935788, gnomAD 0.02%). This variant has not been reported in the literature in individuals affected with IFT140-related conditions. ClinVar contains an entry for this variant (Variation ID: 971092). Algorithms developed to predict the effect of missense changes on protein structure and function are either unavailable or do not agree on the potential impact of this missense change (SIFT: "Deleterious"; PolyPhen-2: "Benign"; Align-GVGD: "Class C0"). In summary, the available evidence is currently insufficient to determine the role of this variant in disease. Therefore, it has been classified as a Variant of Uncertain Significance.

NM_014714.4(IFT140):c.3418G>A (p.Glu1140Lys)

Gene: IFT140 (intraflagellar transport 140; minus strand). Cytogenetic location: 16p13.3.
Variant type: single nucleotide variant.
Coding change: c.3418G>A on transcript NM_014714.4 (MANE Select); coding-DNA position 3418, G replaced by A.
Protein change: p.Glu1140Lys; replaces glutamic acid 1140 with lysine.
Molecular consequence: missense variant.
Genome position (GRCh38, 1-based): chr16:1,523,553, C>T on the plus strand (G>A on the coding strand, the complement: IFT140 is on the minus strand). VCF-style: chr16-1523553-C-T. GRCh37 (hg19) VCF-style: chr16-1573554-C-T.
Other names: short protein forms E1140K.
Identifiers: ClinVar variation 971092 (VCV000971092.6), dbSNP rs564935788, ClinGen allele CA7813178.